The following is an entry in ClinVar:

NM_001370100.5(ZMYND11):c.1270A>G (p.Ile424Val)

Genes: ZMYND11 (zinc finger MYND-type containing 11; plus strand), LOC126860802 (BRD4-independent group 4 enhancer GRCh37_chr10:294268-295467; plus strand). Cytogenetic location: 10p15.3.
Variant type: single nucleotide variant.
Coding change: c.1270A>G on transcript NM_001370100.5 (MANE Select); coding-DNA position 1270, A replaced by G.
Protein change: p.Ile424Val; replaces isoleucine 424 with valine.
Molecular consequence: missense variant. On other transcripts: non-coding transcript variant (1).
Genome position (GRCh38, 1-based): chr10:248,378, A>G. VCF-style: chr10-248378-A-G. GRCh37 (hg19) VCF-style: chr10-294318-A-G.
Other names: c.1270A>G, p.Ile424Val (NM_001370101.2, NM_001370102.2, NM_001202468.1 and 4 more transcripts); c.1108A>G, p.Ile370Val (NM_001370103.2, NM_001370104.2, NM_001370105.2 and 6 more transcripts); c.1015A>G, p.Ile339Val (NM_001370110.2, NM_001202465.3); c.1105A>G, p.Ile369Val (NM_001202466.3, NM_001370111.2); c.1219A>G, p.Ile407Val (NM_001330057.3, NM_001370112.2); c.1177A>G, p.Ile393Val (NM_001370113.2, NM_001370114.2); c.1267A>G, p.Ile423Val (NM_001370115.2, NM_212479.4); c.1204A>G, p.Ile402Val (NM_001370116.2); and 8 more; short protein forms I267V, I348V, I369V, I393V, I402V, I370V, I375V, I401V.
Identifiers: ClinVar variation 3985274 (VCV003985274.2).
Genomic context (GRCh38, chr10:248,378, plus strand): 5'-TCTTGTCTCACCTTTTAGGAACCAGAGCCTGAAACAGAAGCAGTAAGTTCTAGCCAGGAA[A>G]TACCCACGATGCCTCAGCCCATCGAAAAAGTCTCCGTGTCAACTCAGACAAAGAAGTTAA-3'
Protein context (NP_001357029.1, residues 414-434): ETEAVSSSQE[Ile424Val]PTMPQPIEKV

ClinVar aggregate classification (germline): Conflicting classifications of pathogenicity. Review status: criteria provided, conflicting classifications (1 of 4 stars). 2 submissions from 2 submitters: Uncertain significance (1); Likely benign (1). Last evaluated 2025-05-16.

Conditions:
Inborn genetic diseases. Identifiers: MedGen C0950123, MeSH D030342.

gnomAD v4.1: 4 of 1,614,212 alleles (0.00025%); highest among the groups gnomAD compares: Admixed American, 0.0067%; no homozygotes.

Submissions (2):

Ambry Genetics
Classification: Likely benign for Inborn genetic diseases. Last evaluated: 2025-05-16. Review status: criteria provided, single submitter. Criteria: Ambry Variant Classification Scheme 2023. Collection method: clinical testing. Allele origin: germline.

Labcorp Genetics (formerly Invitae), Labcorp
Classification: Uncertain significance. Last evaluated: 2025-02-09. Review status: criteria provided, single submitter. Criteria: Invitae Variant Classification Sherloc (09022015). Collection method: clinical testing. Allele origin: germline.
Comment: This sequence change replaces isoleucine, which is neutral and non-polar, with valine, which is neutral and non-polar, at codon 424 of the ZMYND11 protein (p.Ile424Val). This variant is present in population databases (rs755182533, gnomAD 0.01%). This variant has not been reported in the literature in individuals affected with ZMYND11-related conditions. Invitae Evidence Modeling of protein sequence and biophysical properties (such as structural, functional, and spatial information, amino acid conservation, physicochemical variation, residue mobility, and thermodynamic stability) indicates that this missense variant is not expected to disrupt ZMYND11 protein function with a negative predictive value of 80%. In summary, the available evidence is currently insufficient to determine the role of this variant in disease. Therefore, it has been classified as a Variant of Uncertain Significance.